The following is an entry in ClinVar:

ClinVar aggregate classification (germline): Uncertain significance (1 of 4 stars; one submission).

Submission:

GeneDx
Classification: Uncertain significance. Last evaluated: 2024-05-22. Review status: criteria provided, single submitter. Criteria: GeneDx Variant Classification Process June 2021. Collection method: clinical testing. Allele origin: germline. Affected: yes.
Comment: Not observed at significant frequency in large population cohorts (gnomAD); Nonsense variant predicted to result in protein truncation or nonsense mediated decay in a gene or region of a gene for which loss of function is not a well-established mechanism of disease; Has not been previously published as pathogenic or benign to our knowledge

NM_001370466.1(NOD2):c.1389G>A (p.Trp463Ter)

Gene: NOD2 (nucleotide binding oligomerization domain containing 2; plus strand). Cytogenetic location: 16q12.1.
Variant type: single nucleotide variant.
Coding change: c.1389G>A on transcript NM_001370466.1 (MANE Select); coding-DNA position 1389, G replaced by A.
Protein change: p.Trp463Ter; replaces tryptophan 463 with a stop codon.
Molecular consequence: nonsense. On other transcripts: non-coding transcript variant (1).
Genome position (GRCh38, 1-based): chr16:50,711,381, G>A. VCF-style: chr16-50711381-G-A. GRCh37 (hg19) VCF-style: chr16-50745292-G-A.
Other names: c.1389G>A, p.Trp463Ter (NM_001293557.2); c.1470G>A, p.Trp490Ter (NM_022162.3); short protein forms W463*, W490*.
Identifiers: ClinVar variation 3381638 (VCV003381638.1).